The following is an entry in ClinVar:

NM_001079802.2(FKTN):c.-199C>T

Genes: FKTN (fukutin; plus strand), FKTN-AS1 (FKTN antisense RNA 1; minus strand). Cytogenetic location: 9q31.2.
Variant type: single nucleotide variant.
Coding change: c.-199C>T on transcript NM_001079802.2 (MANE Select); 199 bases upstream of the start codon, C replaced by T.
Molecular consequence: 5 prime UTR variant. On other transcripts: non-coding transcript variant (2).
Genome position (GRCh38, 1-based): chr9:105,558,147, C>T. VCF-style: chr9-105558147-C-T. GRCh37 (hg19) VCF-style: chr9-108320428-C-T.
Other names: c.-199C>T (NM_001198963.2); c.-334C>T (NM_001351496.2); c.-501C>T (NM_001351497.2); c.-107C>T (NM_001351498.2, NM_006731.2); c.-848C>T (NM_001351499.2); c.-713C>T (NM_001351500.2); c.-621C>T (NM_001351501.2); c.-941C>T (NM_001351502.2).
Identifiers: ClinVar variation 681572 (VCV000681572.1), dbSNP rs1589136419, ClinGen allele CA915947120.

ClinVar aggregate classification (germline): Likely benign (1 of 4 stars; one submission).

Submission:

GeneDx
Classification: Likely benign. Last evaluated: 2018-04-09. Review status: criteria provided, single submitter. Criteria: GeneDx Variant Classification (06012015). Collection method: clinical testing. Allele origin: germline. Affected: yes.
Comment: This variant is considered likely benign or benign based on one or more of the following criteria: it is a conservative change, it occurs at a poorly conserved position in the protein, it is predicted to be benign by multiple in silico algorithms, and/or has population frequency not consistent with disease.